The following is an entry in ClinVar:

NM_006922.4(SCN3A):c.1323dup (p.Glu442fs)

Gene: SCN3A (sodium voltage-gated channel alpha subunit 3; minus strand). Cytogenetic location: 2q24.3.
Variant type: Duplication.
Coding change: c.1323dup on transcript NM_006922.4 (MANE Select); coding-DNA position 1323, one base duplicated (A; older notation c.1323dupA).
Protein change: p.Glu442fs; shifts the reading frame from glutamic acid 442.
Molecular consequence: frameshift variant.
Genome position (GRCh38, 1-based): chr2:165,154,509, T duplicated on the plus strand (A on the coding strand, the reverse complement: SCN3A is on the minus strand); the first of 5 consecutive T bases (chr2:165,154,509-165,154,513); duplicating any one gives the same sequence. VCF-style (leftmost placement, unchanged base first): chr2-165154508-C-CT. GRCh37 (hg19) VCF-style: chr2-166011018-C-CT.
Other names: c.1323dup, p.Glu442fs (NM_001081676.2, NM_001081677.2); short protein forms E442fs.
Identifiers: ClinVar variation 4070781 (VCV004070781.1).

ClinVar aggregate classification (germline): Uncertain significance (1 of 4 stars; one submission).

Submission:

GeneDx
Classification: Uncertain significance. Last evaluated: 2025-01-15. Review status: criteria provided, single submitter. Criteria: GeneDx Variant Classification Process June 2021. Collection method: clinical testing. Allele origin: germline. Affected: yes.
Comment: Not observed at significant frequency in large population cohorts (gnomAD); Frameshift variant predicted to result in protein truncation or nonsense mediated decay in a gene or region of a gene for which loss of function is not a well-established mechanism of disease; Has not been previously published as pathogenic or benign to our knowledge